The following is an entry in ClinVar:

ClinVar aggregate classification (germline): Pathogenic. Review status: criteria provided, multiple submitters, no conflicts (2 of 4 stars). 2 submissions from 2 submitters: Pathogenic (2). Last evaluated 2024-05-08.

Conditions:
Myopathy caused by variation in FKTN. Identifiers: MedGen CN305638, MONDO:0700067.
Cardiovascular phenotype. Identifiers: MedGen CN230736.

Submissions (2):

Myriad Genetics, Inc.
Classification: Pathogenic for Myopathy caused by variation in FKTN. Last evaluated: 2024-05-08. Review status: criteria provided, single submitter. Criteria: Myriad Autosomal Dominant, Autosomal Recessive and X-Linked Classification Criteria (2023). Collection method: clinical testing. Allele origin: unknown.
Comment: NM_001079802.1(FKTN):c.786C>A(Y262*) is expected to be pathogenic in the context of FKTN-related disorders. This variant is predicted to lead to an abnormal or absent protein product due to the creation of a premature termination codon in FKTN, a gene where loss-of-function variants are known to be pathogenic. Please note: this variant was assessed in the context of healthy population screening.

Ambry Genetics
Classification: Pathogenic for Cardiovascular phenotype. Last evaluated: 2021-06-01. Review status: criteria provided, single submitter. Criteria: Ambry Variant Classification Scheme 2023. Collection method: clinical testing. Allele origin: germline.
Comment: The p.Y262* pathogenic mutation (also known as c.786C>A), located in coding exon 6 of the FKTN gene, results from a C to A substitution at nucleotide position 786. This changes the amino acid from a tyrosine to a stop codon within coding exon 6. This alteration is expected to result in loss of function by premature protein truncation or nonsense-mediated mRNA decay. As such, this alteration is interpreted as a disease-causing mutation.

NM_001079802.2(FKTN):c.786C>A (p.Tyr262Ter)

Gene: FKTN (fukutin; plus strand). Cytogenetic location: 9q31.2.
Variant type: single nucleotide variant.
Coding change: c.786C>A on transcript NM_001079802.2 (MANE Select); coding-DNA position 786, C replaced by A.
Protein change: p.Tyr262Ter; replaces tyrosine 262 with a stop codon.
Molecular consequence: nonsense. On other transcripts: non-coding transcript variant (1).
Genome position (GRCh38, 1-based): chr9:105,615,283, C>A. VCF-style: chr9-105615283-C-A. GRCh37 (hg19) VCF-style: chr9-108377564-C-A.
Other names: c.786C>A, p.Tyr262Ter (NM_001198963.2, NM_001351496.2, NM_001351498.2 and 1 more transcripts); c.717C>A, p.Tyr239Ter (NM_001351497.2); c.390C>A, p.Tyr130Ter (NM_001351499.2, NM_001351500.2, NM_001351501.2 and 1 more transcripts); short protein forms Y262*, Y239*, Y130*.
Identifiers: ClinVar variation 1760944 (VCV001760944.3), dbSNP rs1430884213, ClinGen allele CA374377096.
Genomic context (GRCh38, chr9:105,615,283, plus strand): 5'-GGTTCCTAGCAATTTAGAAATGGCTGTAATAGCTGACTATTTATTATATCTGTAGCAGTA[C>A]CTTGATGATAACACTGTGGAAGCTGTGGCCTTTCGGAAGAGTGCAAAGGAATTACTGCAA-3'